The following is an entry in ClinVar:

NM_018026.4(PACS1):c.2428G>C (p.Gly810Arg)

Gene: PACS1 (phosphofurin acidic cluster sorting protein 1; plus strand). Cytogenetic location: 11q13.2.
Variant type: single nucleotide variant.
Coding change: c.2428G>C on transcript NM_018026.4 (MANE Select); coding-DNA position 2428, G replaced by C.
Protein change: p.Gly810Arg; replaces glycine 810 with arginine.
Molecular consequence: missense variant.
Genome position (GRCh38, 1-based): chr11:66,239,276, G>C. VCF-style: chr11-66239276-G-C. GRCh37 (hg19) VCF-style: chr11-66006747-G-C.
Other names: short protein forms G810R.
Identifiers: ClinVar variation 3251085 (VCV003251085.18), dbSNP rs2495603332.
Genomic context (GRCh38, chr11:66,239,276, plus strand): 5'-CGAGACGCCACGGCCACCCCTCCCTCCTCCCCATCTATGAGCAGCGCCCTGGCCATCGTG[G>C]GGTAAGGCTCCTGCCCGTACCTGTCCTGCCATGCCCTCCATCAGGCCCACCCGGCTGATT-3'
Protein context (NP_060496.2, residues 800-820): PSMSSALAIV[Gly810Arg]SPNSPYGDVI

ClinVar aggregate classification (germline): Uncertain significance (1 of 4 stars; one submission).

Submission:

CeGaT Center for Human Genetics Tuebingen
Classification: Uncertain significance. Last evaluated: 2024-06-01. Review status: criteria provided, single submitter. Criteria: CeGaT Center For Human Genetics Tuebingen Variant Classification Criteria Version 2. Collection method: clinical testing. Allele origin: germline. Affected: yes. Observed: 1 variant allele.
Comment: PACS1: PM2